The following is an entry in ClinVar:

NM_002878.4(RAD51D):c.481-11C>T

Genes: RAD51D (RAD51 paralog D; minus strand), RAD51L3-RFFL (RAD51L3-RFFL readthrough; minus strand). Cytogenetic location: 17q12.
Variant type: single nucleotide variant.
Coding change: c.481-11C>T on transcript NM_002878.4 (MANE Select); 11 bases into the intron before coding-DNA position 481, C replaced by T.
Molecular consequence: intron variant.
Genome position (GRCh38, 1-based): chr17:35,106,492, G>A on the plus strand (C>T on the coding strand, the complement: RAD51D is on the minus strand). VCF-style: chr17-35106492-G-A. GRCh37 (hg19) VCF-style: chr17-33433511-G-A.
Other names: c.145-11C>T (NM_133629.3); c.541-11C>T (NM_001142571.2).
Identifiers: ClinVar variation 379333 (VCV000379333.16), dbSNP rs372690151, ClinGen allele CA8499456.

ClinVar aggregate classification (germline): Likely benign. Review status: criteria provided, multiple submitters, no conflicts (2 of 4 stars). 6 submissions from 6 submitters: Likely benign (6). Last evaluated 2026-01-22.

Conditions:
RAD51D-related cancer predisposition. Identifiers: MedGen CN377763, MONDO:0700274.
Hereditary cancer-predisposing syndrome. Also called: Tumor predisposition; Hereditary neoplastic syndrome; Neoplastic Syndromes, Hereditary; Hereditary Cancer Syndrome. Identifiers: Orphanet 140162, MedGen C0027672, MeSH D009386, MONDO:0015356.
Breast-ovarian cancer, familial, susceptibility to, 4. Identifiers: Orphanet 145, MedGen C3280345, MONDO:0013669, OMIM 614291.

Allele frequency attached by ClinVar (database versions not stated): gnomAD 0.00001; gnomAD exomes 0.00002; TOPMed 0.00002; ExAC 0.00003; ESP Exome Variant Server 0.00015.
gnomAD v4.1: 33 of 1,604,592 alleles (0.0021%); highest among the groups gnomAD compares: South Asian, 0.0033%; no homozygotes.

Submissions (6):

Labcorp Genetics (formerly Invitae), Labcorp
Classification: Likely benign for Breast-ovarian cancer, familial, susceptibility to, 4. Last evaluated: 2026-01-22. Review status: criteria provided, single submitter. Criteria: Invitae Variant Classification Sherloc (09022015). Collection method: clinical testing. Allele origin: germline.

Myriad Genetics, Inc.
Classification: Likely benign for Breast-ovarian cancer, familial, susceptibility to, 4. Last evaluated: 2025-02-21. Review status: criteria provided, single submitter. Criteria: Myriad Autosomal Dominant, Autosomal Recessive and X-Linked Classification Criteria (2023). Collection method: clinical testing. Allele origin: unknown.
Comment: This variant is considered likely benign. This variant is intronic and is not expected to impact mRNA splicing.

Department of Pathology and Laboratory Medicine, Sinai Health System
Classification: Likely benign for RAD51D-related cancer predisposition. Last evaluated: 2024-05-14. Review status: criteria provided, single submitter. Criteria: ACMG Guidelines, 2015. Collection method: clinical testing. Allele origin: germline. Affected: yes.

Sema4
Classification: Likely benign for Hereditary cancer-predisposing syndrome. Last evaluated: 2022-02-20. Review status: criteria provided, single submitter. Criteria: Sema4 Curation Guidelines. Collection method: curation. Allele origin: germline.

GeneDx
Classification: Likely benign. Last evaluated: 2019-07-10. Review status: criteria provided, single submitter. Criteria: GeneDx Variant Classification Process June 2021. Collection method: clinical testing. Allele origin: germline. Affected: yes.

Color Diagnostics, LLC DBA Color Health
Classification: Likely benign for Hereditary cancer-predisposing syndrome. Last evaluated: 2016-05-17. Review status: criteria provided, single submitter. Criteria: ACMG Guidelines, 2015. Collection method: clinical testing. Allele origin: germline.